The following is an entry in ClinVar:

ClinVar aggregate classification (germline): Uncertain significance. Review status: criteria provided, multiple submitters, no conflicts (2 of 4 stars). 2 submissions from 2 submitters: Uncertain significance (2). Last evaluated 2025-06-09.

Conditions:
Inborn genetic diseases. Identifiers: MedGen C0950123, MeSH D030342.
Lipoyl transferase 1 deficiency. Also called: Lipoyltransferase 1 deficiency. Identifiers: Orphanet 401862, MedGen C4225379, MONDO:0014576, OMIM 616299.

Allele frequency attached by ClinVar (database versions not stated): gnomAD 0.00003; TOPMed 0.00005.
gnomAD v4.1: 18 of 1,614,032 alleles (0.0011%); highest among the groups gnomAD compares: Admixed American, 0.015%; no homozygotes.

Submissions (2):

Ambry Genetics
Classification: Uncertain significance for Inborn genetic diseases. Last evaluated: 2025-06-09. Review status: criteria provided, single submitter. Criteria: Ambry Variant Classification Scheme 2023. Collection method: clinical testing. Allele origin: germline.

Labcorp Genetics (formerly Invitae), Labcorp
Classification: Uncertain significance. Last evaluated: 2021-12-02. Review status: criteria provided, single submitter. Criteria: Invitae Variant Classification Sherloc (09022015). Collection method: clinical testing. Allele origin: germline.
Comment: This sequence change replaces proline, which is neutral and non-polar, with leucine, which is neutral and non-polar, at codon 196 of the LIPT1 protein (p.Pro196Leu). This variant is present in population databases (rs746115042, gnomAD 0.02%). This variant has not been reported in the literature in individuals affected with LIPT1-related conditions. Algorithms developed to predict the effect of missense changes on protein structure and function are either unavailable or do not agree on the potential impact of this missense change (SIFT: "Deleterious"; PolyPhen-2: "Probably Damaging"; Align-GVGD: "Class C0"). In summary, the available evidence is currently insufficient to determine the role of this variant in disease. Therefore, it has been classified as a Variant of Uncertain Significance.

NM_145199.3(LIPT1):c.587C>T (p.Pro196Leu)

Genes: LIPT1 (lipoyltransferase 1; plus strand), MITD1 (microtubule interacting and trafficking domain containing 1; minus strand). Cytogenetic location: 2q11.2.
Variant type: single nucleotide variant.
Coding change: c.587C>T on transcript NM_145199.3 (MANE Select); coding-DNA position 587, C replaced by T.
Protein change: p.Pro196Leu; replaces proline 196 with leucine.
Molecular consequence: missense variant. On other transcripts: non-coding transcript variant (2).
Genome position (GRCh38, 1-based): chr2:99,162,544, C>T. VCF-style: chr2-99162544-C-T. GRCh37 (hg19) VCF-style: chr2-99779007-C-T.
Other names: c.587C>T (NM_001204830.1, NM_145199.2); c.587C>T, p.Pro196Leu (NM_001204830.2, NM_015929.4, NM_145197.3 and 1 more transcripts); short protein forms P196L.
Identifiers: ClinVar variation 1399147 (VCV001399147.11), dbSNP rs746115042, ClinGen allele CA1797346.
Genomic context (GRCh38, chr2:99,162,544, plus strand): 5'-ACCATTGCACTTTATTATGTAGTACTGATGGGACGTTCTTGTCTTCTTTGCTAAAGAGCC[C>T]TTACCAAGGGATCAGGAGCAATGCCACTGCTAGCATACCTTCCTTAGTGAAAAATCTTTT-3'
Protein context (NP_660200.1, residues 186-206): GTFLSSLLKS[Pro196Leu]YQGIRSNATA